The following is an entry in ClinVar:

ClinVar aggregate classification (germline): Uncertain significance (1 of 4 stars; one submission).

Conditions:
2-aminoadipic 2-oxoadipic aciduria (AAKAD). Also called: Aminoadipic aciduria; ALPHA-AMINOADIPIC AND ALPHA-KETOADIPIC ACIDURIA. Identifiers: Orphanet 79154, MedGen C1859817, MONDO:0008774, OMIM 204750.

Submission:

Labcorp Genetics (formerly Invitae), Labcorp
Classification: Uncertain significance for 2-aminoadipic 2-oxoadipic aciduria. Last evaluated: 2022-10-31. Review status: criteria provided, single submitter. Criteria: Invitae Variant Classification Sherloc (09022015). Collection method: clinical testing. Allele origin: germline.
Comment: This variant has not been reported in the literature in individuals affected with DHTKD1-related conditions. In summary, the available evidence is currently insufficient to determine the role of this variant in disease. Therefore, it has been classified as a Variant of Uncertain Significance. Advanced modeling of protein sequence and biophysical properties (such as structural, functional, and spatial information, amino acid conservation, physicochemical variation, residue mobility, and thermodynamic stability) performed at Invitae indicates that this missense variant is not expected to disrupt DHTKD1 protein function. This variant is not present in population databases (gnomAD no frequency). This sequence change replaces tyrosine, which is neutral and polar, with histidine, which is basic and polar, at codon 745 of the DHTKD1 protein (p.Tyr745His).

NM_018706.7(DHTKD1):c.2233T>C (p.Tyr745His)

Gene: DHTKD1 (dehydrogenase E1 and transketolase domain containing 1; plus strand). Cytogenetic location: 10p14.
Variant type: single nucleotide variant.
Coding change: c.2233T>C on transcript NM_018706.7 (MANE Select); coding-DNA position 2233, T replaced by C.
Protein change: p.Tyr745His; replaces tyrosine 745 with histidine.
Molecular consequence: missense variant.
Genome position (GRCh38, 1-based): chr10:12,112,978, T>C. VCF-style: chr10-12112978-T-C. GRCh37 (hg19) VCF-style: chr10-12154977-T-C.
Other names: short protein forms Y745H.
Identifiers: ClinVar variation 2810909 (VCV002810909.3), dbSNP rs2491513672, ClinGen allele CA376013507.
Genomic context (GRCh38, chr10:12,112,978, plus strand): 5'-GAGGGGGTGGACGGAGACACTGTGAACATGTTTGTGGTTCACCCAACAACTCCTGCACAG[T>C]ATTTCCACTTGCTTAGGAGACAGATGGTCCGGAACTTCAGAAAACCACTCATTGTTGCTT-3'
Protein context (NP_061176.4, residues 735-755): FVVHPTTPAQ[Tyr745His]FHLLRRQMVR